The following is an entry in ClinVar:

ClinVar aggregate classification (germline): Conflicting classifications of pathogenicity. Review status: criteria provided, conflicting classifications (1 of 4 stars). 2 submissions from 2 submitters: Uncertain significance (1); Likely benign (1). Last evaluated 2025-02-03.

Conditions:
Cardiovascular phenotype. Identifiers: MedGen CN230736.

Allele frequency attached by ClinVar (database versions not stated): gnomAD exomes 0.00001; gnomAD 0.00002; TOPMed 0.00002; ExAC 0.00010.
gnomAD v4.1: 15 of 1,550,322 alleles (0.00097%); highest among the groups gnomAD compares: South Asian, 0.0083%; no homozygotes.

Submissions (2):

Labcorp Genetics (formerly Invitae), Labcorp
Classification: Uncertain significance. Last evaluated: 2025-02-03. Review status: criteria provided, single submitter. Criteria: Invitae Variant Classification Sherloc (09022015). Collection method: clinical testing. Allele origin: germline.
Comment: This sequence change replaces arginine, which is basic and polar, with glycine, which is neutral and non-polar, at codon 2367 of the ZNF469 protein (p.Arg2367Gly). This variant is present in population databases (rs755200044, gnomAD 0.01%). This variant has not been reported in the literature in individuals affected with ZNF469-related conditions. ClinVar contains an entry for this variant (Variation ID: 1757125). An algorithm developed to predict the effect of missense changes on protein structure and function outputs the following: PolyPhen-2: "Benign". The glycine amino acid residue is found in multiple mammalian species, which suggests that this missense change does not adversely affect protein function. In summary, the available evidence is currently insufficient to determine the role of this variant in disease. Therefore, it has been classified as a Variant of Uncertain Significance.

Ambry Genetics
Classification: Likely benign for Cardiovascular phenotype. Last evaluated: 2024-09-18. Review status: criteria provided, single submitter. Criteria: Ambry Variant Classification Scheme 2023. Collection method: clinical testing. Allele origin: germline.

NM_001367624.2(ZNF469):c.7183A>G (p.Arg2395Gly)

Gene: ZNF469 (zinc finger protein 469; plus strand). Cytogenetic location: 16q24.2.
Variant type: single nucleotide variant.
Coding change: c.7183A>G on transcript NM_001367624.2 (MANE Select); coding-DNA position 7183, A replaced by G.
Protein change: p.Arg2395Gly; replaces arginine 2395 with glycine.
Molecular consequence: missense variant.
Genome position (GRCh38, 1-based): chr16:88,434,653, A>G. VCF-style: chr16-88434653-A-G. GRCh37 (hg19) VCF-style: chr16-88501061-A-G.
Other names: NM_001127464.1:c.7099A>G; short protein forms R2395G.
Identifiers: ClinVar variation 1757125 (VCV001757125.5), dbSNP rs755200044, ClinGen allele CA8225221.